The following is an entry in ClinVar:

ClinVar aggregate classification (germline): Uncertain significance (1 of 4 stars; one submission).

Submission:

Labcorp Genetics (formerly Invitae), Labcorp
Classification: Uncertain significance. Last evaluated: 2024-12-23. Review status: criteria provided, single submitter. Criteria: Invitae Variant Classification Sherloc (09022015). Collection method: clinical testing. Allele origin: germline.
Comment: This sequence change replaces threonine, which is neutral and polar, with isoleucine, which is neutral and non-polar, at codon 132 of the GSN protein (p.Thr132Ile). This variant is not present in population databases (gnomAD no frequency). This variant has not been reported in the literature in individuals affected with GSN-related conditions. An algorithm developed to predict the effect of missense changes on protein structure and function (PolyPhen-2) suggests that this variant is likely to be disruptive. In summary, the available evidence is currently insufficient to determine the role of this variant in disease. Therefore, it has been classified as a Variant of Uncertain Significance.

NM_198252.3(GSN):c.242C>T (p.Thr81Ile)

Gene: GSN (gelsolin; plus strand). Cytogenetic location: 9q33.2.
Variant type: single nucleotide variant.
Coding change: c.242C>T on transcript NM_198252.3 (MANE Select); coding-DNA position 242, C replaced by T.
Protein change: p.Thr81Ile; replaces threonine 81 with isoleucine.
Molecular consequence: missense variant. On other transcripts: 5 prime UTR variant (1).
Genome position (GRCh38, 1-based): chr9:121,302,956, C>T. VCF-style: chr9-121302956-C-T. GRCh37 (hg19) VCF-style: chr9-124065234-C-T.
Other names: c.242C>T, p.Thr81Ile (NM_001127664.2, NM_001127665.2, NM_001353053.1 and 10 more transcripts); c.275C>T, p.Thr92Ile (NM_001353063.2, NM_001353064.2, NM_001127666.2 and 13 more transcripts); c.293C>T, p.Thr98Ile (NM_001258029.2); c.266C>T, p.Thr89Ile (NM_001258030.2); c.395C>T, p.Thr132Ile (NM_000177.5); c.350C>T, p.Thr117Ile (NM_001127663.2); c.314C>T, p.Thr105Ile (NM_001353076.2); c.-413C>T (NM_001353078.2); short protein forms T105I, T117I, T132I, T81I, T89I, T92I, T98I.
Identifiers: ClinVar variation 3612840 (VCV003612840.2).